The following is an entry in ClinVar:

NM_000384.3(APOB):c.11000G>A (p.Gly3667Glu)

Gene: APOB (apolipoprotein B; minus strand). Cytogenetic location: 2p24.1.
Variant type: single nucleotide variant.
Coding change: c.11000G>A on transcript NM_000384.3 (MANE Select); coding-DNA position 11000, G replaced by A.
Protein change: p.Gly3667Glu; replaces glycine 3667 with glutamic acid.
Molecular consequence: missense variant.
Genome position (GRCh38, 1-based): chr2:21,005,868, C>T on the plus strand (G>A on the coding strand, the complement: APOB is on the minus strand). VCF-style: chr2-21005868-C-T. GRCh37 (hg19) VCF-style: chr2-21228740-C-T.
Other names: short protein forms G3667E.
Identifiers: ClinVar variation 3885027 (VCV003885027.1).

ClinVar aggregate classification (germline): Uncertain significance (1 of 4 stars; one submission).

Conditions:
Cardiovascular phenotype. Identifiers: MedGen CN230736.

Submission:

Ambry Genetics
Classification: Uncertain significance for Cardiovascular phenotype. Last evaluated: 2024-12-21. Review status: criteria provided, single submitter. Criteria: Ambry Variant Classification Scheme 2023. Collection method: clinical testing. Allele origin: germline.
Comment: The p.G3667E variant (also known as c.11000G>A), located in coding exon 26 of the APOB gene, results from a G to A substitution at nucleotide position 11000. The glycine at codon 3667 is replaced by glutamic acid, an amino acid with similar properties. This amino acid position is conserved. In addition, the in silico prediction for this alteration is inconclusive. Based on the available evidence, the clinical significance of this variant remains unclear.